The following is an entry in ClinVar:

NM_002168.4(IDH2):c.5C>G (p.Ala2Gly)

Genes: IDH2 (isocitrate dehydrogenase (NADP(+)) 2; minus strand), IDH2-DT (IDH2 divergent transcript; plus strand). Cytogenetic location: 15q26.1.
Variant type: single nucleotide variant.
Coding change: c.5C>G on transcript NM_002168.4 (MANE Select); coding-DNA position 5, C replaced by G.
Protein change: p.Ala2Gly; replaces alanine 2 with glycine.
Molecular consequence: missense variant. On other transcripts: 5 prime UTR variant (1).
Genome position (GRCh38, 1-based): chr15:90,102,386, G>C on the plus strand (C>G on the coding strand, the complement: IDH2 is on the minus strand). VCF-style: chr15-90102386-G-C. GRCh37 (hg19) VCF-style: chr15-90645618-G-C.
Other names: c.-128C>G (NM_001290114.2); short protein forms A2G.
Identifiers: ClinVar variation 2505792 (VCV002505792.1), dbSNP rs2505812059, ClinGen allele CA393803769.

ClinVar aggregate classification (germline): Uncertain significance (1 of 4 stars; one submission).

Submission:

GeneDx
Classification: Uncertain significance. Last evaluated: 2022-12-15. Review status: criteria provided, single submitter. Criteria: GeneDx Variant Classification Process June 2021. Collection method: clinical testing. Allele origin: germline. Affected: yes.
Comment: Not observed at significant frequency in large population cohorts (gnomAD); In silico analysis supports that this missense variant does not alter protein structure/function; Has not been previously published as pathogenic or benign to our knowledge